The following is an entry in ClinVar:

ClinVar aggregate classification (germline): Uncertain significance. Review status: criteria provided, multiple submitters, no conflicts (2 of 4 stars). 3 submissions from 3 submitters: Uncertain significance (3). Last evaluated 2026-01-19.

Conditions:
Familial thoracic aortic aneurysm and aortic dissection (TAAD). Also called: Thoracic aortic aneurysms and dissections. Identifiers: Orphanet 91387, MedGen C4707243, MONDO:0019625.
Aortic aneurysm, familial thoracic 4 (AAT4). Also called: AORTIC ANEURYSM/AORTIC DISSECTION AND PATENT DUCTUS ARTERIOSUS. Identifiers: MedGen C1851504, MONDO:0007568, OMIM 132900.

gnomAD v4.1: 2 of 1,614,188 alleles (0.00012%); highest among the groups gnomAD compares: East Asian, 0.0045%; no homozygotes.

Submissions (3):

Labcorp Genetics (formerly Invitae), Labcorp
Classification: Uncertain significance for Aortic aneurysm, familial thoracic 4. Last evaluated: 2026-01-19. Review status: criteria provided, single submitter. Criteria: Invitae Variant Classification Sherloc (09022015). Collection method: clinical testing. Allele origin: germline.
Comment: This sequence change replaces serine, which is neutral and polar, with threonine, which is neutral and polar, at codon 1806 of the MYH11 protein (p.Ser1806Thr). This variant is not present in population databases (gnomAD no frequency). This missense change has been observed in individual(s) with clinical features of MYH11-related conditions (internal data). ClinVar contains an entry for this variant (Variation ID: 405471). Invitae Evidence Modeling of protein sequence and biophysical properties (such as structural, functional, and spatial information, amino acid conservation, physicochemical variation, residue mobility, and thermodynamic stability) indicates that this missense variant is not expected to disrupt MYH11 protein function with a negative predictive value of 95%. In summary, the available evidence is currently insufficient to determine the role of this variant in disease. Therefore, it has been classified as a Variant of Uncertain Significance.

Color Diagnostics, LLC DBA Color Health
Classification: Uncertain significance for Familial thoracic aortic aneurysm and aortic dissection. Last evaluated: 2024-03-06. Review status: criteria provided, single submitter. Criteria: ACMG Guidelines, 2015. Collection method: clinical testing. Allele origin: germline.
Comment: This missense variant replaces serine with threonine at codon 1806 of the MYH11 protein. Computational prediction suggests that this variant may not impact protein structure and function (internally defined REVEL score threshold <= 0.5, PMID: 27666373). To our knowledge, functional studies have not been reported for this variant. This variant has not been reported in individuals affected with MYH11-related disorders in the literature. This variant has not been identified in the general population by the Genome Aggregation Database (gnomAD). The available evidence is insufficient to determine the role of this variant in disease conclusively. Therefore, this variant is classified as a Variant of Uncertain Significance.

All of Us Research Program, National Institutes of Health
Classification: Uncertain significance for Familial thoracic aortic aneurysm and aortic dissection. Last evaluated: 2024-02-05. Review status: criteria provided, single submitter. Criteria: ACMG Guidelines, 2015. Collection method: clinical testing. Allele origin: germline. Inheritance: Autosomal dominant inheritance. Observed: 3 variant alleles, 3 heterozygotes.
Comment: This missense variant replaces serine with threonine at codon 1806 of the MYH11 protein. Computational prediction suggests that this variant may not impact protein structure and function (internally defined REVEL score threshold <= 0.5, PMID: 27666373). To our knowledge, functional studies have not been reported for this variant. This variant has not been reported in individuals affected with cardiovascular disorders in the literature. This variant has not been identified in the general population by the Genome Aggregation Database (gnomAD). The available evidence is insufficient to determine the role of this variant in disease conclusively. Therefore, this variant is classified as a Variant of Uncertain Significance.

This study involves interpretation of variants in research participants for the purpose of population health screening. Participant phenotype was not available at the time of variant classification. Additional details can be found in publication PMID: 35346344, PMCID: PMC8962531

NM_002474.3(MYH11):c.5396G>C (p.Ser1799Thr)

Genes: NDE1 (nudE neurodevelopment protein 1; plus strand), MYH11 (myosin heavy chain 11; minus strand). Cytogenetic location: 16p13.11.
Variant type: single nucleotide variant.
Coding change: c.5396G>C on transcript NM_002474.3 (MANE Select); coding-DNA position 5396, G replaced by C.
Protein change: p.Ser1799Thr; replaces serine 1799 with threonine.
Molecular consequence: missense variant. On other transcripts: intron variant (2).
Genome position (GRCh38, 1-based): chr16:15,717,248, C>G on the plus strand (G>C on the coding strand, the complement: MYH11 is on the minus strand). VCF-style: chr16-15717248-C-G. GRCh37 (hg19) VCF-style: chr16-15811105-C-G.
Other names: c.5417G>C, p.Ser1806Thr (NM_001040113.2, NM_001040114.2); c.5396G>C, p.Ser1799Thr (NM_022844.3); c.948-6943C>G (NM_001143979.2, NM_017668.3); short protein forms S1806T, S1799T.
Identifiers: ClinVar variation 405471 (VCV000405471.9), dbSNP rs776016983, ClinGen allele CA16614577.
Genomic context (GRCh38, chr16:15,717,248, plus strand): 5'-AGCGCCGCGATGGTGGACTTGAACTTGGACTTGACGGCCCCCTCCATCTCGTGGAGCTTG[C>G]TCCGGAGCTCCTTGTTCTGCCGCTCGAGCTGCTGCCGGGCACTCTCATTCTTCTGGGCCG-3'
Protein context (NP_002465.1, residues 1789-1809): QLERQNKELR[Ser1799Thr]KLHEMEGAVK